The following is an entry in ClinVar:

ClinVar aggregate classification (germline): Uncertain significance. Review status: criteria provided, multiple submitters, no conflicts (2 of 4 stars). 2 submissions from 2 submitters: Uncertain significance (2). Last evaluated 2025-01-13.

Conditions:
Cardiovascular phenotype. Identifiers: MedGen CN230736.

Allele frequency attached by ClinVar (database versions not stated): ExAC 0.00001; 1000 Genomes Project 0.00040; gnomAD 0.00002; 1000 Genomes Project 30x 0.00031.
gnomAD v4.1: 9 of 1,614,124 alleles (0.00056%); highest among the groups gnomAD compares: East Asian, 0.0045%; no homozygotes.

Submissions (2):

Women's Health and Genetics/Laboratory Corporation of America, LabCorp
Classification: Uncertain significance. Last evaluated: 2025-01-13. Review status: criteria provided, single submitter. Criteria: LabCorp Variant Classification Summary - May 2015. Collection method: clinical testing. Allele origin: germline.

Ambry Genetics
Classification: Uncertain significance for Cardiovascular phenotype. Last evaluated: 2024-09-24. Review status: criteria provided, single submitter. Criteria: Ambry Variant Classification Scheme 2023. Collection method: clinical testing. Allele origin: germline.
Comment: The p.A508T variant (also known as c.1522G>A), located in coding exon 11 of the ABCG5 gene, results from a G to A substitution at nucleotide position 1522. The alanine at codon 508 is replaced by threonine, an amino acid with similar properties. This amino acid position is conserved. In addition, this alteration is predicted to be tolerated by in silico analysis. Since supporting evidence is limited at this time, the clinical significance of this alteration remains unclear.

NM_022436.3(ABCG5):c.1522G>A (p.Ala508Thr)

Genes: ABCG5 (ATP binding cassette subfamily G member 5; minus strand), DYNC2LI1 (dynein cytoplasmic 2 light intermediate chain 1; plus strand). Cytogenetic location: 2p21.
Variant type: single nucleotide variant.
Coding change: c.1522G>A on transcript NM_022436.3 (MANE Select); coding-DNA position 1522, G replaced by A.
Protein change: p.Ala508Thr; replaces alanine 508 with threonine.
Molecular consequence: missense variant. On other transcripts: intron variant (2).
Genome position (GRCh38, 1-based): chr2:43,820,042, C>T on the plus strand (G>A on the coding strand, the complement: ABCG5 is on the minus strand). VCF-style: chr2-43820042-C-T. GRCh37 (hg19) VCF-style: chr2-44047181-C-T.
Other names: c.*16-7344C>T (NM_001348913.2, NM_001348912.2); short protein forms A508T.
Identifiers: ClinVar variation 1774461 (VCV001774461.5), dbSNP rs548044015, ClinGen allele CA1636237.
Genomic context (GRCh38, chr2:43,820,042, plus strand): 5'-TTGGATTTTGGACGATACCAAGTAGCACAAGAGTTAGAAATTCACCAATTAAGTGGGGGG[C>T]CAAGAGAGCAGCAGAAAAATATCCAAATCGGGCAACCTCAGGATGTAAGCCCAGCGTCCT-3'
Protein context (NP_071881.1, residues 498-518): RFGYFSAALL[Ala508Thr]PHLIGEFLTL